The following is an entry in ClinVar:

ClinVar aggregate classification (germline): Uncertain significance (1 of 4 stars; one submission).

Submission:

Labcorp Genetics (formerly Invitae), Labcorp
Classification: Uncertain significance. Last evaluated: 2025-06-22. Review status: criteria provided, single submitter. Criteria: Invitae Variant Classification Sherloc (09022015). Collection method: clinical testing. Allele origin: germline.
Comment: This sequence change replaces arginine, which is basic and polar, with lysine, which is basic and polar, at codon 337 of the CFI protein (p.Arg337Lys). This variant is not present in population databases (gnomAD no frequency). This variant has not been reported in the literature in individuals affected with CFI-related conditions. Invitae Evidence Modeling of protein sequence and biophysical properties (such as structural, functional, and spatial information, amino acid conservation, physicochemical variation, residue mobility, and thermodynamic stability) indicates that this missense variant is not expected to disrupt CFI protein function with a negative predictive value of 80%. In summary, the available evidence is currently insufficient to determine the role of this variant in disease. Therefore, it has been classified as a Variant of Uncertain Significance.

NM_000204.5(CFI):c.1010G>A (p.Arg337Lys)

Gene: CFI (complement factor I; minus strand). Cytogenetic location: 4q25.
Variant type: single nucleotide variant.
Coding change: c.1010G>A on transcript NM_000204.5 (MANE Select); coding-DNA position 1010, G replaced by A.
Protein change: p.Arg337Lys; replaces arginine 337 with lysine.
Molecular consequence: missense variant. On other transcripts: non-coding transcript variant (3).
Genome position (GRCh38, 1-based): chr4:109,749,533, C>T on the plus strand (G>A on the coding strand, the complement: CFI is on the minus strand). VCF-style: chr4-109749533-C-T. GRCh37 (hg19) VCF-style: chr4-110670689-C-T.
Other names: c.1034G>A, p.Arg345Lys (NM_001318057.2, NM_001375278.1, NM_001440988.1); c.989G>A, p.Arg330Lys (NM_001331035.2, NM_001375280.1, NM_001375282.1 and 1 more transcripts); c.1010G>A, p.Arg337Lys (NM_001375279.1, NM_001375281.1, NM_001440989.1); c.953G>A, p.Arg318Lys (NM_001375283.1); c.401G>A, p.Arg134Lys (NM_001375284.1); c.1031G>A, p.Arg344Lys (NM_001440985.1, NM_001440986.1); short protein forms R134K, R330K, R344K, R318K, R337K, R345K.
Identifiers: ClinVar variation 4742170 (VCV004742170.1).
Genomic context (GRCh38, chr4:109,749,533, plus strand): 5'-CATTGTGACTTTTCATGCGACTTTACCAGTTGTGCTCGCTTTCCTCCCACAATTCGTTTC[C>T]TTCGAATGTGCATTCTGTTTTTAACTCCACAAGATAGTTTAGGTAATAATGATTTTATCC-3'
Protein context (NP_000195.3, residues 327-347): CGVKNRMHIR[Arg337Lys]KRIVGGKRAQ